The following is an entry in ClinVar:

NM_020745.4(AARS2):c.2445G>A (p.Ala815=)

Gene: AARS2 (alanyl-tRNA synthetase 2, mitochondrial; minus strand). Cytogenetic location: 6p21.1.
Variant type: single nucleotide variant.
Coding change: c.2445G>A on transcript NM_020745.4 (MANE Select); coding-DNA position 2445, G replaced by A.
Protein change: p.Ala815=; no amino-acid change (alanine 815 retained).
Molecular consequence: synonymous variant.
Genome position (GRCh38, 1-based): chr6:44,302,433, C>T on the plus strand (G>A on the coding strand, the complement: AARS2 is on the minus strand). VCF-style: chr6-44302433-C-T. GRCh37 (hg19) VCF-style: chr6-44270170-C-T.
Identifiers: ClinVar variation 1633027 (VCV001633027.15), dbSNP rs540249556, ClinGen allele CA3833980.

ClinVar aggregate classification (germline): Likely benign. Review status: criteria provided, multiple submitters, no conflicts (2 of 4 stars). 2 submissions from 2 submitters: Likely benign (2). Last evaluated 2025-11-01.

Allele frequency attached by ClinVar (database versions not stated): ExAC 0.00002; gnomAD 0.00002; gnomAD exomes 0.00002 and 0.00005; TOPMed 0.00003; 1000 Genomes Project 30x 0.00016; 1000 Genomes Project 0.00020.
gnomAD v4.1: 33 of 1,614,130 alleles (0.002%); highest among the groups gnomAD compares: East Asian, 0.033%; no homozygotes.

Submissions (2):

CeGaT Center for Human Genetics Tuebingen
Classification: Likely benign. Last evaluated: 2025-11-01. Review status: criteria provided, single submitter. Criteria: CeGaT Center For Human Genetics Tuebingen Variant Classification Criteria Version 2. Collection method: clinical testing. Allele origin: germline. Affected: yes. Observed: 1 variant allele.
Comment: AARS2: BP4, BP7

Labcorp Genetics (formerly Invitae), Labcorp
Classification: Likely benign. Last evaluated: 2025-10-02. Review status: criteria provided, single submitter. Criteria: Invitae Variant Classification Sherloc (09022015). Collection method: clinical testing. Allele origin: germline.